The following is an entry in ClinVar:

ClinVar aggregate classification (germline): Uncertain significance (1 of 4 stars; one submission).

Conditions:
Fanconi anemia (FA). Also called: Fanconi's anemia. Identifiers: Orphanet 84, MedGen C0015625, MeSH D005199, MONDO:0019391.

Submission:

Labcorp Genetics (formerly Invitae), Labcorp
Classification: Uncertain significance for Fanconi anemia. Last evaluated: 2023-09-20. Review status: criteria provided, single submitter. Criteria: Invitae Variant Classification Sherloc (09022015). Collection method: clinical testing. Allele origin: germline.
Comment: In summary, the available evidence is currently insufficient to determine the role of this variant in disease. Therefore, it has been classified as a Variant of Uncertain Significance. Advanced modeling of protein sequence and biophysical properties (such as structural, functional, and spatial information, amino acid conservation, physicochemical variation, residue mobility, and thermodynamic stability) performed at Invitae indicates that this missense variant is expected to disrupt FANCF protein function. This variant has not been reported in the literature in individuals affected with FANCF-related conditions. This variant is not present in population databases (gnomAD no frequency). This sequence change replaces aspartic acid, which is acidic and polar, with alanine, which is neutral and non-polar, at codon 27 of the FANCF protein (p.Asp27Ala).

NM_022725.4(FANCF):c.80A>C (p.Asp27Ala)

Gene: FANCF (FA complementation group F; minus strand). Cytogenetic location: 11p14.3.
Variant type: single nucleotide variant.
Coding change: c.80A>C on transcript NM_022725.4 (MANE Select); coding-DNA position 80, A replaced by C.
Protein change: p.Asp27Ala; replaces aspartic acid 27 with alanine.
Molecular consequence: missense variant.
Genome position (GRCh38, 1-based): chr11:22,625,731, T>G on the plus strand (A>C on the coding strand, the complement: FANCF is on the minus strand). VCF-style: chr11-22625731-T-G. GRCh37 (hg19) VCF-style: chr11-22647277-T-G.
Other names: short protein forms D27A.
Identifiers: ClinVar variation 2762055 (VCV002762055.3), dbSNP rs1590542468, ClinGen allele CA380059743.
Genomic context (GRCh38, chr11:22,625,731, plus strand): 5'-CGCCGATGGATGTGGCGCAGGTAGCGCGCCCACTGCAAGGCCCGGCGCACGGTGGCGGGG[T>G]CCCAGGTGCTGACGTAGGTAGTGCTTGAGACCGCCAGAAGCTCGGAAAAGCGATCCAGGT-3'
Protein context (NP_073562.1, residues 17-37): VSSTTYVSTW[Asp27Ala]PATVRRALQW